The following is an entry in ClinVar:

NM_003151.4(STAT4):c.893C>T (p.Thr298Ile)

Gene: STAT4 (signal transducer and activator of transcription 4; minus strand). Cytogenetic location: 2q32.2.
Variant type: single nucleotide variant.
Coding change: c.893C>T on transcript NM_003151.4 (MANE Select); coding-DNA position 893, C replaced by T.
Protein change: p.Thr298Ile; replaces threonine 298 with isoleucine.
Molecular consequence: missense variant.
Genome position (GRCh38, 1-based): chr2:191,062,810, G>A on the plus strand (C>T on the coding strand, the complement: STAT4 is on the minus strand). VCF-style: chr2-191062810-G-A. GRCh37 (hg19) VCF-style: chr2-191927536-G-A.
Other names: c.893C>T, p.Thr298Ile (NM_001243835.2); c.893C>T (NM_003151.3); short protein forms T298I.
Identifiers: ClinVar variation 1553395 (VCV001553395.10), dbSNP rs200982266, ClinGen allele CA2030761.

ClinVar aggregate classification (germline): Likely benign. Review status: criteria provided, single submitter (1 of 4 stars). 2 submissions from 2 submitters: Likely benign (1). 1 of the submissions does not count toward it. Last evaluated 2025-11-18.

Conditions:
STAT4-related disorder. Also called: STAT4-related condition.

Allele frequency attached by ClinVar (database versions not stated): gnomAD exomes 0.00006 and 0.00012; gnomAD 0.00007 and 0.00008; ExAC 0.00010; TOPMed 0.00012; ESP Exome Variant Server 0.00015.
gnomAD v4.1: 118 of 1,613,936 alleles (0.0073%); highest among the groups gnomAD compares: East Asian, 0.011%; no homozygotes.

Submissions (2):

Labcorp Genetics (formerly Invitae), Labcorp
Classification: Likely benign. Last evaluated: 2025-11-18. Review status: criteria provided, single submitter. Criteria: Invitae Variant Classification Sherloc (09022015). Collection method: clinical testing. Allele origin: germline.

PreventionGenetics, part of Exact Sciences
Classification: Likely benign for STAT4-related condition. Last evaluated: 2024-01-23. Review status: no assertion criteria provided. Collection method: clinical testing. Allele origin: germline. Not counted in ClinVar's aggregate classification.
Comment: This variant is classified as likely benign based on ACMG/AMP sequence variant interpretation guidelines (Richards et al. 2015 PMID: 25741868, with internal and published modifications).